The following is an entry in ClinVar:

ClinVar aggregate classification (germline): Pathogenic/Likely pathogenic. Review status: criteria provided, multiple submitters, no conflicts (2 of 4 stars). 6 submissions from 6 submitters: Pathogenic (1); Likely pathogenic (1). 4 of the submissions do not count toward it. Last evaluated 2025-09-02.

Conditions:
PSAT1-related disorder. Also called: PSAT1-related condition; PSAT1-related disorders.
Neu-Laxova syndrome 2. Identifiers: Orphanet 2671, Orphanet 583602, MedGen C4015019, MONDO:0014466, OMIM 616038.
PSAT deficiency. Identifiers: Orphanet 284417, MedGen C1970253, MONDO:0012596, OMIM 610992.

Allele frequency attached by ClinVar (database versions not stated): gnomAD 0.00001; gnomAD exomes 0.00001; TOPMed 0.00001.
gnomAD v4.1: 23 of 1,614,062 alleles (0.0014%); highest among the groups gnomAD compares: Non-Finnish European, 0.0018%; no homozygotes.

Submissions (6):

Women's Health and Genetics/Laboratory Corporation of America, LabCorp
Classification: Likely pathogenic for PSAT1-Related Disorders. Last evaluated: 2025-09-02. Review status: criteria provided, single submitter. Criteria: LabCorp Variant Classification Summary - May 2015. Collection method: clinical testing. Allele origin: germline.
Comment: Variant summary: PSAT1 c.299A>C (p.Asp100Ala) results in a non-conservative amino acid change in the encoded protein sequence. Algorithms developed to predict the effect of missense changes on protein structure and function all suggest that this variant is likely to be disruptive. The variant was absent in 251470 control chromosomes. c.299A>C has been observed in individual(s) affected with phosphoserine aminotransferase deficiency and it has also been observed to segregate with disease in related individuals (example: Hart_2007). These data indicate that the variant may be associated with disease. Multiple studies report experimental evidence that this missense change affects of PSAT1 protein function (example: Hart_2007, Sirr_2020). ClinVar contains an entry for this variant (Variation ID: 1082). Based on the evidence outlined above, the variant was classified as likely pathogenic.

Labcorp Genetics (formerly Invitae), Labcorp
Classification: Pathogenic for Neu-Laxova syndrome 2. Last evaluated: 2024-12-19. Review status: criteria provided, single submitter. Criteria: Invitae Variant Classification Sherloc (09022015). Collection method: clinical testing. Allele origin: germline.
Comment: This sequence change replaces aspartic acid, which is acidic and polar, with alanine, which is neutral and non-polar, at codon 100 of the PSAT1 protein (p.Asp100Ala). This variant is not present in population databases (gnomAD no frequency). This missense change has been observed in individual(s) with phosphoserine aminotransferase deficiency (PMID: 17436247). In at least one individual the data is consistent with being in trans (on the opposite chromosome) from a pathogenic variant. It has also been observed to segregate with disease in related individuals. ClinVar contains an entry for this variant (Variation ID: 1082). Invitae Evidence Modeling of protein sequence and biophysical properties (such as structural, functional, and spatial information, amino acid conservation, physicochemical variation, residue mobility, and thermodynamic stability) indicates that this missense variant is not expected to disrupt PSAT1 protein function with a negative predictive value of 80%. Experimental studies have shown that this missense change affects PSAT1 function (PMID: 17436247, 32077105). For these reasons, this variant has been classified as Pathogenic.

OMIM
Classification: Pathogenic for PHOSPHOSERINE AMINOTRANSFERASE DEFICIENCY. Last evaluated: 2007-05-01. Review status: no assertion criteria provided. Collection method: literature only. Allele origin: germline. Not counted in ClinVar's aggregate classification.

Clinical Genetics DNA and cytogenetics Diagnostics Lab, Erasmus MC, Erasmus Medical Center
Classification: Likely pathogenic. Review status: no assertion criteria provided. Collection method: clinical testing. Allele origin: germline. Affected: yes. Study: VKGL Data-share Consensus. Not counted in ClinVar's aggregate classification.

Dudley Research Group, Pacific Northwest Research Institute
No classification provided. Review status: no classification provided. Collection method: research, in vivo. Allele origin: unknown, not applicable. Functional consequence: loss_of_function_variant. Not counted in ClinVar's aggregate classification.

Genome Diagnostics Laboratory, University Medical Center Utrecht
Classification: Likely pathogenic. Review status: no assertion criteria provided. Collection method: clinical testing. Allele origin: germline. Affected: yes. Study: VKGL Data-share Consensus. Not counted in ClinVar's aggregate classification.

Literature cited by the submitters: PubMed 17436247 (cited by 3 submitters); PubMed 32077105 (cited by Women's Health and Genetics/Laboratory Corporation of America, LabCorp and Labcorp Genetics (formerly Invitae), Labcorp).

NM_058179.4(PSAT1):c.299A>C (p.Asp100Ala)

Gene: PSAT1 (phosphoserine aminotransferase 1; plus strand). Cytogenetic location: 9q21.2.
Variant type: single nucleotide variant.
Coding change: c.299A>C on transcript NM_058179.4 (MANE Select); coding-DNA position 299, A replaced by C.
Protein change: p.Asp100Ala; replaces aspartic acid 100 with alanine.
Molecular consequence: missense variant.
Genome position (GRCh38, 1-based): chr9:78,304,842, A>C. VCF-style: chr9-78304842-A-C. GRCh37 (hg19) VCF-style: chr9-80919758-A-C.
Other names: c.299A>C, p.Asp100Ala (NM_021154.5); short protein forms D100A.
Identifiers: ClinVar variation 1082 (VCV000001082.11), dbSNP rs118203967, ClinGen allele CA114739.